The following is an entry in ClinVar:

NM_014324.6(AMACR):c.908_909delinsAG (p.Val303Glu)

Genes: C1QTNF3-AMACR (C1QTNF3-AMACR readthrough (NMD candidate); minus strand), AMACR (alpha-methylacyl-CoA racemase; minus strand). Cytogenetic location: 5p13.2.
Variant type: Indel.
Coding change: c.908_909delinsAG on transcript NM_014324.6 (MANE Select); coding-DNA positions 908 to 909, TT replaced by AG.
Protein change: p.Val303Glu; replaces valine 303 with glutamic acid.
Molecular consequence: missense variant. On other transcripts: non-coding transcript variant (1), 3 prime UTR variant (1).
Genome position (GRCh38, 1-based): chr5:33,989,333-33,989,334, AA replaced by CT on the plus strand (TT replaced by AG on the coding strand, the reverse complement: AMACR is on the minus strand). VCF-style: chr5-33989333-AA-CT. GRCh37 (hg19) VCF-style: chr5-33989438-AA-CT.
Other names: c.908_909delinsAG, p.Val303Glu (NM_001167595.2); c.*150_*151delinsAG (NM_203382.3); short protein forms V303E.
Identifiers: ClinVar variation 1364472 (VCV001364472.8), dbSNP rs2112032750, ClinGen allele CA2573139659.
Genomic context (GRCh38, chr5:33,989,333, plus strand): 5'-CACGTCCTGCTCCTCACTGGTGATAAACGAGCCCCGTTCCTTGTTGTGATCATGATGAAC[AA>CT]CCTCCTCAAAAGTCAGAACCGGAGTCACACAGGCATCTGTGCCGTCAAAGATTTGACACC-3'
Protein context (NP_055139.4, residues 293-313): CVTPVLTFEE[Val303Glu]VHHDHNKERG

ClinVar aggregate classification (germline): Uncertain significance (1 of 4 stars; one submission).

Conditions:
Alpha-methylacyl-CoA racemase deficiency (AMACRD). Also called: AMACR deficiency. Identifiers: Orphanet 79095, MedGen C3280428, MONDO:0013681, OMIM 614307. Disease mechanism: loss of function.

Submission:

Labcorp Genetics (formerly Invitae), Labcorp
Classification: Uncertain significance for Alpha-methylacyl-CoA racemase deficiency. Last evaluated: 2025-02-24. Review status: criteria provided, single submitter. Criteria: Invitae Variant Classification Sherloc (09022015). Collection method: clinical testing. Allele origin: germline.
Comment: This sequence change replaces valine, which is neutral and non-polar, with glutamic acid, which is acidic and polar, at codon 303 of the AMACR protein (p.Val303Glu). Information on the frequency of this variant in the gnomAD database is not available, as this variant may be reported differently in the database. This variant has not been reported in the literature in individuals affected with AMACR-related conditions. ClinVar contains an entry for this variant (Variation ID: 1364472). An algorithm developed to predict the effect of missense changes on protein structure and function (PolyPhen-2) suggests that this variant is likely to be disruptive. In summary, the available evidence is currently insufficient to determine the role of this variant in disease. Therefore, it has been classified as a Variant of Uncertain Significance.